The following is an entry in ClinVar:

NM_058195.4(CDKN2A):c.193+7A>G

Gene: CDKN2A (cyclin dependent kinase inhibitor 2A; minus strand). Cytogenetic location: 9p21.3.
Variant type: single nucleotide variant.
Coding change: c.193+7A>G on transcript NM_058195.4 (MANE Plus Clinical); 7 bases into the intron after coding-DNA position 193, A replaced by G.
Molecular consequence: intron variant.
Genome position (GRCh38, 1-based): chr9:21,994,132, T>C on the plus strand (A>G on the coding strand, the complement: CDKN2A is on the minus strand). VCF-style: chr9-21994132-T-C. GRCh37 (hg19) VCF-style: chr9-21994131-T-C.
Other names: c.-4+689A>G (NM_001363763.2).
Identifiers: ClinVar variation 548792 (VCV000548792.8), dbSNP rs770519197, ClinGen allele CA5012375.

ClinVar aggregate classification (germline): Likely benign. Review status: criteria provided, multiple submitters, no conflicts (2 of 4 stars). 3 submissions from 3 submitters: Likely benign (2). 1 of the submissions does not count toward it. Last evaluated 2023-04-21.

Conditions:
Familial melanoma. Also called: Hereditary melanoma; Hereditary cutaneous melanoma. Identifiers: Orphanet 618, MedGen C1512419, MONDO:0018961.
Melanoma-pancreatic cancer syndrome. Identifiers: Orphanet 404560, MedGen C1838547, MONDO:0011713, OMIM 606719. Disease mechanism: loss of function.

Allele frequency attached by ClinVar (database versions not stated): gnomAD exomes below 0.00001 and 0.00001; gnomAD 0.00001; TOPMed 0.00001; ExAC 0.00002.
gnomAD v4.1: 7 of 1,600,286 alleles (0.00044%); highest among the groups gnomAD compares: Non-Finnish European, 0.00059%; no homozygotes.

Submissions (3):

Myriad Genetics, Inc.
Classification: Likely benign for Melanoma-pancreatic cancer syndrome. Last evaluated: 2023-04-21. Review status: criteria provided, single submitter. Criteria: Myriad Autosomal Dominant, Autosomal Recessive and X-Linked Classification Criteria (2023). Collection method: clinical testing. Allele origin: unknown.
Comment: This variant is considered likely benign. This variant is intronic and is not expected to impact mRNA splicing.

Labcorp Genetics (formerly Invitae), Labcorp
Classification: Likely benign for Familial melanoma. Last evaluated: 2021-12-11. Review status: criteria provided, single submitter. Criteria: Invitae Variant Classification Sherloc (09022015). Collection method: clinical testing. Allele origin: germline.

Counsyl
Classification: Likely benign for Melanoma-pancreatic cancer syndrome. Last evaluated: 2017-09-19. Review status: no assertion criteria provided. Collection method: clinical testing. Allele origin: unknown. Not counted in ClinVar's aggregate classification.